The following is an entry in ClinVar:

NM_014844.5(TECPR2):c.1117_1126dup (p.His376fs)

Gene: TECPR2 (tectonin beta-propeller repeat containing 2; plus strand). Cytogenetic location: 14q32.31.
Variant type: Duplication.
Coding change: c.1117_1126dup on transcript NM_014844.5 (MANE Select); coding-DNA positions 1117 to 1126, 10 bases duplicated (GAGCGTGTCC; older notation c.1117_1126dupGAGCGTGTCC).
Protein change: p.His376fs; shifts the reading frame from histidine 376.
Molecular consequence: frameshift variant.
Genome position (GRCh38, 1-based): chr14:102,431,828-102,431,837, GAGCGTGTCC duplicated. VCF-style (leftmost placement, unchanged base first): chr14-102431827-A-AGAGCGTGTCC. GRCh37 (hg19) VCF-style: chr14-102898164-A-AGAGCGTGTCC.
Other names: c.1117_1126dup, p.His376fs (NM_001172631.3); short protein forms H376fs.
Identifiers: ClinVar variation 2584845 (VCV002584845.1), dbSNP rs2504417338, ClinGen allele CA2582341771.

ClinVar aggregate classification (germline): Likely pathogenic (1 of 4 stars; one submission).

Conditions:
Hereditary spastic paraplegia 49 (HSAN9). Also called: NEUROPATHY, HEREDITARY SENSORY AND AUTONOMIC, TYPE IX, WITH DEVELOPMENTAL DELAY; Spastic paraplegia 49, autosomal recessive; TECPR2-Related Hereditary Sensory and Autonomic Neuropathy with Intellectual Disability. Identifiers: Orphanet 320385, MedGen C5190860, MONDO:0014016, OMIM 615031.

Submission:

Neuberg Centre For Genomic Medicine, NCGM
Classification: Likely pathogenic for Hereditary spastic paraplegia 49. Review status: criteria provided, single submitter. Criteria: ACMG Guidelines, 2015. Collection method: clinical testing. Allele origin: germline. Inheritance: Autosomal recessive inheritance. Affected: yes.
Comment: The frameshift variant c.1117_1126dup (p.His376ArgfsTer18) in TECPR2 has not been reported previously as a pathogenic variant nor as a benign variant, to our knowledge. The p.His376ArgfsTer18 variant is novel (not in any individuals) in gnomAD Exomes and 1000 Genomes. This variant causes a frameshift starting with codon Histidine 376, changes this amino acid to Arginine residue, and creates a premature Stop codon at position 18 of the new reading frame, denoted p.His376ArgfsTer18. This variant is predicted to cause loss of normal protein function. Loss of function variants have been previously reported to be disease causing. For these reasons, this variant has been classified as Likely Pathogenic.